The following is an entry in ClinVar:

ClinVar aggregate classification (germline): Uncertain significance (1 of 4 stars; one submission).

Conditions:
Majeed syndrome (MJDS). Also called: LPIN2-Related Majeed Syndrome; CHRONIC RECURRENT MULTIFOCAL OSTEOMYELITIS 1, WITH CONGENITAL DYSERYTHROPOIETIC ANEMIA, WITH OR WITHOUT NEUTROPHILIC DERMATOSIS. Identifiers: Orphanet 77297, MedGen C1864997, MONDO:0012316, OMIM 609628.

gnomAD v4.1: 2 of 1,609,322 alleles (0.00012%); highest among the groups gnomAD compares: Non-Finnish European, 0.00017%; no homozygotes.

Submission:

Labcorp Genetics (formerly Invitae), Labcorp
Classification: Uncertain significance for Majeed syndrome. Last evaluated: 2022-02-20. Review status: criteria provided, single submitter. Criteria: Invitae Variant Classification Sherloc (09022015). Collection method: clinical testing. Allele origin: germline.
Comment: In summary, the available evidence is currently insufficient to determine the role of this variant in disease. Therefore, it has been classified as a Variant of Uncertain Significance. Algorithms developed to predict the effect of missense changes on protein structure and function are either unavailable or do not agree on the potential impact of this missense change (SIFT: "Deleterious"; PolyPhen-2: "Possibly Damaging"; Align-GVGD: "Class C0"). This variant has not been reported in the literature in individuals affected with LPIN2-related conditions. This variant is not present in population databases (gnomAD no frequency). This sequence change replaces serine, which is neutral and polar, with tyrosine, which is neutral and polar, at codon 203 of the LPIN2 protein (p.Ser203Tyr).

NM_001375808.2(LPIN2):c.608C>A (p.Ser203Tyr)

Gene: LPIN2 (lipin 2; minus strand). Cytogenetic location: 18p11.31.
Variant type: single nucleotide variant.
Coding change: c.608C>A on transcript NM_001375808.2 (MANE Select); coding-DNA position 608, C replaced by A.
Protein change: p.Ser203Tyr; replaces serine 203 with tyrosine.
Molecular consequence: missense variant.
Genome position (GRCh38, 1-based): chr18:2,940,695, G>T on the plus strand (C>A on the coding strand, the complement: LPIN2 is on the minus strand). VCF-style: chr18-2940695-G-T. GRCh37 (hg19) VCF-style: chr18-2940693-G-T.
Other names: c.608C>A, p.Ser203Tyr (NM_001375809.1, NM_014646.2); short protein forms S203Y.
Identifiers: ClinVar variation 2100328 (VCV002100328.4), dbSNP rs144555528, ClinGen allele CA401707886.